The following is an entry in ClinVar:

NM_001267550.2(TTN):c.21036G>T (p.Arg7012Ser)

Genes: TTN (titin; minus strand), LOC126806428 (BRD4-independent group 4 enhancer GRCh37_chr2:179588362-179589561; plus strand). Cytogenetic location: 2q31.2.
Variant type: single nucleotide variant.
Coding change: c.21036G>T on transcript NM_001267550.2 (MANE Select); coding-DNA position 21036, G replaced by T.
Protein change: p.Arg7012Ser; replaces arginine 7012 with serine.
Molecular consequence: missense variant. On other transcripts: intron variant (3).
Genome position (GRCh38, 1-based): chr2:178,724,339, C>A on the plus strand (G>T on the coding strand, the complement: TTN is on the minus strand). VCF-style: chr2-178724339-C-A. GRCh37 (hg19) VCF-style: chr2-179589066-C-A.
Other names: c.20085G>T, p.Arg6695Ser (NM_001256850.1); c.17304G>T, p.Arg5768Ser (NM_133378.4); c.13282+13743G>T (NM_003319.4); c.13858+13743G>T (NM_133437.4); c.13657+13743G>T (NM_133432.3); short protein forms R5768S, R7012S, R6695S.
Identifiers: ClinVar variation 668699 (VCV000668699.6), dbSNP rs1024577519, ClinGen allele CA60974414.
Genomic context (GRCh38, chr2:178,724,339, plus strand): 5'-TGTGCAGCTGCTTTTCCCAACATTATTTTGAACCTGGAAAGTGTATGTGCCTGCATCTTG[C>A]CTTTCAACTGAGAGAATCCTTAAGGAAGAGATTTTGTTGTAGAAGCTAAATTTGTGTTTT-3'
Protein context (NP_001254479.2, residues 7002-7022): ISSLRILSVE[Arg7012Ser]QDAGTYTFQV

ClinVar aggregate classification (germline): Conflicting classifications of pathogenicity. Review status: criteria provided, conflicting classifications (1 of 4 stars). 4 submissions from 4 submitters: Uncertain significance (2); Likely benign (2). Last evaluated 2026-09-21.

Conditions:
TTN-related disorder. Also called: TTN-related disorders; TTN-related condition; TTN-related disease.

Allele frequency attached by ClinVar (database versions not stated): gnomAD exomes 0.00001; gnomAD 0.00007 and 0.00006; TOPMed 0.00006.
gnomAD v4.1: 30 of 1,613,450 alleles (0.0019%); highest among the groups gnomAD compares: African/African-American, 0.033%; no homozygotes.

Submissions (4):

Molecular Diagnostic Laboratory for Inherited Cardiovascular Disease, Montreal Heart Institute
Classification: Likely benign. Last evaluated: 2026-09-21. Review status: criteria provided, single submitter. Criteria: ACMG Guidelines, 2015. Collection method: clinical testing. Allele origin: germline. Affected: no.
Comment: BP1

PreventionGenetics, part of Exact Sciences
Classification: Uncertain significance for TTN-related condition. Last evaluated: 2026-08-25. Review status: criteria provided, single submitter. Criteria: ACMG Guidelines, 2015. Collection method: clinical testing. Allele origin: germline.
Comment: The TTN c.21036G>T variant is predicted to result in the amino acid substitution p.Arg7012Ser. To our knowledge, this variant has not been reported in the literature. This variant is reported in 0.025% of alleles in individuals of African descent in gnomAD. At this time, the clinical significance of this variant is uncertain due to the absence of conclusive functional and genetic evidence.

Revvity Omics, Revvity
Classification: Uncertain significance. Last evaluated: 2021-09-03. Review status: criteria provided, single submitter. Criteria: ACMG Guidelines, 2015. Collection method: clinical testing. Allele origin: germline.

GeneDx
Classification: Likely benign. Last evaluated: 2018-05-23. Review status: criteria provided, single submitter. Criteria: GeneDx Variant Classification (06012015). Collection method: clinical testing. Allele origin: germline. Affected: yes.
Comment: This variant is considered likely benign or benign based on one or more of the following criteria: it is a conservative change, it occurs at a poorly conserved position in the protein, it is predicted to be benign by multiple in silico algorithms, and/or has population frequency not consistent with disease.